The following is an entry in ClinVar:

ClinVar aggregate classification (germline): Conflicting classifications of pathogenicity. Review status: criteria provided, conflicting classifications (1 of 4 stars). 3 submissions from 3 submitters: Uncertain significance (1); Likely benign (2). Last evaluated 2024-10-30.

Conditions:
PCNT-related disorder. Also called: PCNT-related condition.
Microcephalic osteodysplastic primordial dwarfism type II (MOPD2). Also called: OSTEODYSPLASTIC PRIMORDIAL DWARFISM, TYPE II; Microcephalic osteodysplastic primordial dwarfism with tooth abnormalities; MOPD II. Identifiers: Orphanet 2637, MedGen C0432246, MONDO:0008872, OMIM 210720.

Allele frequency attached by ClinVar (database versions not stated): gnomAD 0.00001 and 0.00002; TOPMed 0.00002.
gnomAD v4.1: 19 of 1,602,540 alleles (0.0012%); highest among the groups gnomAD compares: East Asian, 0.034%; no homozygotes.

Submissions (3):

PreventionGenetics, part of Exact Sciences
Classification: Likely benign for PCNT-related condition. Last evaluated: 2024-10-30. Review status: criteria provided, single submitter. Criteria: ACMG Guidelines, 2015. Collection method: clinical testing. Allele origin: germline.
Comment: This variant is classified as likely benign based on ACMG/AMP sequence variant interpretation guidelines (Richards et al. 2015 PMID: 25741868, with internal and published modifications).

Labcorp Genetics (formerly Invitae), Labcorp
Classification: Likely benign. Last evaluated: 2024-01-29. Review status: criteria provided, single submitter. Criteria: Invitae Variant Classification Sherloc (09022015). Collection method: clinical testing. Allele origin: germline.

Illumina Laboratory Services, Illumina
Classification: Uncertain significance for Microcephalic osteodysplastic primordial dwarfism type II. Last evaluated: 2018-01-12. Review status: criteria provided, single submitter. Criteria: ICSL Variant Classification Criteria 13 December 2019. Collection method: clinical testing. Allele origin: germline.

NM_006031.6(PCNT):c.6150+10G>C

Gene: PCNT (pericentrin; plus strand). Cytogenetic location: 21q22.3.
Variant type: single nucleotide variant.
Coding change: c.6150+10G>C on transcript NM_006031.6 (MANE Select); 10 bases into the intron after coding-DNA position 6150, G replaced by C.
Molecular consequence: intron variant.
Genome position (GRCh38, 1-based): chr21:46,413,002, G>C. VCF-style: chr21-46413002-G-C. GRCh37 (hg19) VCF-style: chr21-47832916-G-C.
Other names: c.5796+10G>C (NM_001315529.2).
Identifiers: ClinVar variation 340513 (VCV000340513.9), dbSNP rs886057186, ClinGen allele CA10080223.